The following is an entry in ClinVar:

NM_000038.6(APC):c.770C>G (p.Ala257Gly)

Gene: APC (APC regulator of Wnt signaling pathway; plus strand). Cytogenetic location: 5q22.2.
Variant type: single nucleotide variant.
Coding change: c.770C>G on transcript NM_000038.6 (MANE Select); coding-DNA position 770, C replaced by G.
Protein change: p.Ala257Gly; replaces alanine 257 with glycine.
Molecular consequence: missense variant. On other transcripts: 5 prime UTR variant (4), non-coding transcript variant (2).
Genome position (GRCh38, 1-based): chr5:112,801,319, C>G. VCF-style: chr5-112801319-C-G. GRCh37 (hg19) VCF-style: chr5-112137016-C-G.
Other names: c.770C>G, p.Ala257Gly (NM_001127510.3, NM_001354895.2, NM_001354896.2 and 12 more transcripts); c.716C>G, p.Ala239Gly (NM_001127511.3); c.800C>G, p.Ala267Gly (NM_001354897.2, NM_001354902.2, NM_001407446.1); c.695C>G, p.Ala232Gly (NM_001354898.2, NM_001354904.2, NM_001407451.1); c.686C>G, p.Ala229Gly (NM_001354899.2, NM_001407452.1, NM_001407467.1 and 1 more transcripts); c.593C>G, p.Ala198Gly (NM_001354900.2, NM_001354901.2, NM_001354905.2 and 1 more transcripts); c.-266C>G (NM_001354906.2, NM_001407470.1, NM_001407471.1 and 1 more transcripts); short protein forms A229G, A267G, A198G, A232G, A257G, A239G.
Identifiers: ClinVar variation 2866040 (VCV002866040.3), dbSNP rs2149711793, ClinGen allele CA16023017.

ClinVar aggregate classification (germline): Uncertain significance (1 of 4 stars; one submission).

Conditions:
Familial adenomatous polyposis 1 (FAP1). Also called: FAMILIAL ADENOMATOUS POLYPOSIS 1, ATTENUATED; POLYPOSIS, ADENOMATOUS INTESTINAL. Identifiers: MedGen C2713442, MONDO:0021056, OMIM 175100. Disease mechanism: loss of function.

Submission:

Labcorp Genetics (formerly Invitae), Labcorp
Classification: Uncertain significance for Familial adenomatous polyposis 1. Last evaluated: 2023-05-20. Review status: criteria provided, single submitter. Criteria: Invitae Variant Classification Sherloc (09022015). Collection method: clinical testing. Allele origin: germline.
Comment: This sequence change replaces alanine, which is neutral and non-polar, with glycine, which is neutral and non-polar, at codon 257 of the APC protein (p.Ala257Gly). This variant is not present in population databases (gnomAD no frequency). This variant has not been reported in the literature in individuals affected with APC-related conditions. Advanced modeling of protein sequence and biophysical properties (such as structural, functional, and spatial information, amino acid conservation, physicochemical variation, residue mobility, and thermodynamic stability) performed at Invitae indicates that this missense variant is not expected to disrupt APC protein function. In summary, the available evidence is currently insufficient to determine the role of this variant in disease. Therefore, it has been classified as a Variant of Uncertain Significance.